The following is an entry in ClinVar:

NM_002863.5(PYGL):c.962G>A (p.Arg321His)

Gene: PYGL (glycogen phosphorylase L; minus strand). Cytogenetic location: 14q22.1.
Variant type: single nucleotide variant.
Coding change: c.962G>A on transcript NM_002863.5 (MANE Select); coding-DNA position 962, G replaced by A.
Protein change: p.Arg321His; replaces arginine 321 with histidine.
Molecular consequence: missense variant.
Genome position (GRCh38, 1-based): chr14:50,916,999, C>T on the plus strand (G>A on the coding strand, the complement: PYGL is on the minus strand). VCF-style: chr14-50916999-C-T. GRCh37 (hg19) VCF-style: chr14-51383717-C-T.
Other names: c.860G>A, p.Arg287His (NM_001163940.2); short protein forms R321H, R287H.
Identifiers: ClinVar variation 258850 (VCV000258850.19), dbSNP rs116465563, ClinGen allele CA7183616.

ClinVar aggregate classification (germline): Benign/Likely benign. Review status: criteria provided, multiple submitters, no conflicts (2 of 4 stars). 6 submissions from 6 submitters: Benign (5); Likely benign (1). Last evaluated 2026-01-11.

Conditions:
Glycogen storage disease, type VI (GSD6). Also called: Glycogen storage disease type 6; Hepatic glycogen phosphorylase deficiency; HERS DISEASE; PHOSPHORYLASE DEFICIENCY GLYCOGEN-STORAGE DISEASE OF LIVER; Glycogen storage disease type 6, due to phosphorylation; GSD VI. Identifiers: Orphanet 369, MedGen C0017925, MONDO:0009294, OMIM 232700.

Allele frequency attached by ClinVar (database versions not stated): gnomAD exomes 0.00077 and 0.00207; ExAC 0.00275; gnomAD 0.00814 and 0.00878; 1000 Genomes Project 0.00839; TOPMed 0.00901; 1000 Genomes Project 30x 0.00921; ESP Exome Variant Server 0.01061.

Submissions (6):

Labcorp Genetics (formerly Invitae), Labcorp
Classification: Benign for Glycogen storage disease, type VI. Last evaluated: 2026-01-11. Review status: criteria provided, single submitter. Criteria: Invitae Variant Classification Sherloc (09022015). Collection method: clinical testing. Allele origin: germline.

ARUP Laboratories, Molecular Genetics and Genomics, ARUP Laboratories
Classification: Benign for Glycogen storage disease, type VI. Last evaluated: 2024-05-03. Review status: criteria provided, single submitter. Criteria: ARUP Molecular Germline Variant Investigation Process 2024. Collection method: clinical testing. Allele origin: germline.

GeneDx
Classification: Likely benign. Last evaluated: 2022-02-14. Review status: criteria provided, single submitter. Criteria: GeneDx Variant Classification Process June 2021. Collection method: clinical testing. Allele origin: germline. Affected: yes.
Comment: See Variant Classification Assertion Criteria.

Illumina Laboratory Services, Illumina
Classification: Benign for Glycogen storage disease, type VI. Last evaluated: 2018-01-12. Review status: criteria provided, single submitter. Criteria: ICSL Variant Classification Criteria 13 December 2019. Collection method: clinical testing. Allele origin: germline.
Comment: This variant was observed in the ICSL laboratory as part of a predisposition screen in an ostensibly healthy population. It had not been previously curated by ICSL or reported in the Human Gene Mutation Database (HGMD: prior to June 1st, 2018), and was therefore a candidate for classification through an automated scoring system. Utilizing variant allele frequency, disease prevalence and penetrance estimates, and inheritance mode, an automated score was calculated to assess if this variant is too frequent to cause the disease. Based on the score and internal cut-off values, a variant classified as benign is not then subjected to further curation. The score for this variant resulted in a classification of benign for this disease.

Breakthrough Genomics
Classification: Benign. Review status: criteria provided, single submitter. Criteria: ACMG Guidelines, 2015. Collection method: not provided. Allele origin: germline. Inheritance: Autosomal recessive inheritance. Affected: yes.

PreventionGenetics, part of Exact Sciences
Classification: Benign. Review status: criteria provided, single submitter. Criteria: ACMG Guidelines, 2015. Collection method: clinical testing. Allele origin: germline.